The following is an entry in ClinVar:

NM_000454.5(SOD1):c.240-4_251del

Gene: SOD1 (superoxide dismutase 1; plus strand). Cytogenetic location: 21q22.11.
Variant type: Deletion.
Coding change: c.240-4_251del on transcript NM_000454.5 (MANE Select); 4 bases into the intron before coding-DNA position 240 through coding-DNA position 251, 16 bases deleted (TTAGGCATGTTGGAGA).
Molecular consequence: splice acceptor variant.
Genome position (GRCh38, 1-based): chr21:31,667,254-31,667,269, TTAGGCATGTTGGAGA deleted; deleting any 16 consecutive bases within chr21:31,667,253-31,667,269 gives the same sequence; the c. name uses the placement nearest the transcript's 3' end. VCF-style (leftmost placement, unchanged base first): chr21-31667252-TATTAGGCATGTTGGAG-T. GRCh37 (hg19) VCF-style: chr21-33039565-TATTAGGCATGTTGGAG-T.
Identifiers: ClinVar variation 3702962 (VCV003702962.2).

ClinVar aggregate classification (germline): Uncertain significance (1 of 4 stars; one submission).

Conditions:
Amyotrophic lateral sclerosis type 1 (ALS1). Also called: AMYOTROPHIC LATERAL SCLEROSIS 1, FAMILIAL. Identifiers: Orphanet 803, MedGen C1862939, MONDO:0007103, OMIM 105400.

Submission:

Labcorp Genetics (formerly Invitae), Labcorp
Classification: Uncertain significance for Amyotrophic lateral sclerosis type 1. Last evaluated: 2025-01-22. Review status: criteria provided, single submitter. Criteria: Invitae Variant Classification Sherloc (09022015). Collection method: clinical testing. Allele origin: germline.
Comment: This variant results in the deletion of part of exon 4 (c.240-4_251del) of the SOD1 gene. It is expected to disrupt RNA splicing. Variants that disrupt the donor or acceptor splice site typically lead to a loss of protein function (PMID: 16199547), however the current clinical and genetic evidence is not sufficient to establish whether loss-of-function variants in SOD1 cause disease. This variant is not present in population databases (gnomAD no frequency). This variant has not been reported in the literature in individuals affected with SOD1-related conditions. In summary, the available evidence is currently insufficient to determine the role of this variant in disease. Therefore, it has been classified as a Variant of Uncertain Significance.

Literature cited by the submitters: PubMed 16199547.